The following is an entry in ClinVar:

ClinVar aggregate classification (germline): Uncertain significance (1 of 4 stars; one submission).

Submission:

Labcorp Genetics (formerly Invitae), Labcorp
Classification: Uncertain significance. Last evaluated: 2023-05-19. Review status: criteria provided, single submitter. Criteria: Invitae Variant Classification Sherloc (09022015). Collection method: clinical testing. Allele origin: germline.
Comment: This sequence change replaces valine, which is neutral and non-polar, with leucine, which is neutral and non-polar, at codon 1463 of the BPTF protein (p.Val1463Leu). This variant is not present in population databases (gnomAD no frequency). This variant has not been reported in the literature in individuals affected with BPTF-related conditions. In summary, the available evidence is currently insufficient to determine the role of this variant in disease. Therefore, it has been classified as a Variant of Uncertain Significance. Algorithms developed to predict the effect of missense changes on protein structure and function output the following: SIFT: "Not Available"; PolyPhen-2: "Benign"; Align-GVGD: "Not Available". The leucine amino acid residue is found in multiple mammalian species, which suggests that this missense change does not adversely affect protein function.

NM_182641.4(BPTF):c.4009G>C (p.Val1337Leu)

Gene: BPTF (bromodomain PHD finger transcription factor; plus strand). Cytogenetic location: 17q24.2.
Variant type: single nucleotide variant.
Coding change: c.4009G>C on transcript NM_182641.4 (MANE Select); coding-DNA position 4009, G replaced by C.
Protein change: p.Val1337Leu; replaces valine 1337 with leucine.
Molecular consequence: missense variant.
Genome position (GRCh38, 1-based): chr17:67,911,893, G>C. VCF-style: chr17-67911893-G-C. GRCh37 (hg19) VCF-style: chr17-65908009-G-C.
Other names: c.4387G>C, p.Val1463Leu (NM_004459.7); short protein forms V1337L, V1463L.
Identifiers: ClinVar variation 2881921 (VCV002881921.3), dbSNP rs2511474050, ClinGen allele CA400728333.